The following is an entry in ClinVar:

NM_183381.3(RNF13):c.321+1G>A

Gene: RNF13 (ring finger protein 13; plus strand). Cytogenetic location: 3q25.1.
Variant type: single nucleotide variant.
Coding change: c.321+1G>A on transcript NM_183381.3 (MANE Select); the canonical splice donor site of the intron after coding-DNA position 321, G replaced by A.
Molecular consequence: splice donor variant.
Genome position (GRCh38, 1-based): chr3:149,872,155, G>A. VCF-style: chr3-149872155-G-A. GRCh37 (hg19) VCF-style: chr3-149589942-G-A.
Other names: c.321+1G>A (NM_007282.4, NM_001378286.1, NM_001378285.1); c.-47+1G>A (NM_183383.2, NM_001378288.1, NM_001378289.1 and 2 more transcripts); c.-73+1G>A (NM_001378291.1).
Identifiers: ClinVar variation 4696414 (VCV004696414.1).

ClinVar aggregate classification (germline): Uncertain significance (1 of 4 stars; one submission).

Submission:

Labcorp Genetics (formerly Invitae), Labcorp
Classification: Uncertain significance. Last evaluated: 2025-07-08. Review status: criteria provided, single submitter. Criteria: Invitae Variant Classification Sherloc (09022015). Collection method: clinical testing. Allele origin: germline.
Comment: This sequence change affects a donor splice site in intron 5 of the RNF13 gene. It is expected to disrupt RNA splicing. Variants that disrupt the donor or acceptor splice site typically lead to a loss of protein function (PMID: 16199547), however the current clinical and genetic evidence is not sufficient to establish whether loss-of-function variants in RNF13 cause disease. This variant is not present in population databases (gnomAD no frequency). This variant has not been reported in the literature in individuals affected with RNF13-related conditions. Algorithms developed to predict the effect of sequence changes on RNA splicing suggest that this variant may disrupt the consensus splice site. In summary, the available evidence is currently insufficient to determine the role of this variant in disease. Therefore, it has been classified as a Variant of Uncertain Significance.

Literature cited by the submitters: PubMed 16199547.